The following is an entry in ClinVar:

ClinVar aggregate classification (germline): Uncertain significance (1 of 4 stars; one submission).

Conditions:
Autoimmune interstitial lung disease-arthritis syndrome. Also called: Autoinflammation and autoimmunity, systemic, with immune dysregulation. Identifiers: Orphanet 444092, MedGen C5975714, MONDO:0014629.

Submission:

Labcorp Genetics (formerly Invitae), Labcorp
Classification: Uncertain significance for Autoimmune interstitial lung disease-arthritis syndrome. Last evaluated: 2023-06-11. Review status: criteria provided, single submitter. Criteria: Invitae Variant Classification Sherloc (09022015). Collection method: clinical testing. Allele origin: germline.
Comment: This variant is not present in population databases (gnomAD no frequency). In summary, the available evidence is currently insufficient to determine the role of this variant in disease. Therefore, it has been classified as a Variant of Uncertain Significance. Advanced modeling of protein sequence and biophysical properties (such as structural, functional, and spatial information, amino acid conservation, physicochemical variation, residue mobility, and thermodynamic stability) performed at Invitae indicates that this missense variant is not expected to disrupt COPA protein function. This variant has not been reported in the literature in individuals affected with COPA-related conditions. This sequence change replaces glutamic acid, which is acidic and polar, with aspartic acid, which is acidic and polar, at codon 537 of the COPA protein (p.Glu537Asp).

NM_004371.4(COPA):c.1611G>C (p.Glu537Asp)

Gene: COPA (coat protein complex I subunit alpha; minus strand). Cytogenetic location: 1q23.2.
Variant type: single nucleotide variant.
Coding change: c.1611G>C on transcript NM_004371.4 (MANE Select); coding-DNA position 1611, G replaced by C.
Protein change: p.Glu537Asp; replaces glutamic acid 537 with aspartic acid.
Molecular consequence: missense variant.
Genome position (GRCh38, 1-based): chr1:160,305,489, C>G on the plus strand (G>C on the coding strand, the complement: COPA is on the minus strand). VCF-style: chr1-160305489-C-G. GRCh37 (hg19) VCF-style: chr1-160275279-C-G.
Other names: c.1638G>C, p.Glu546Asp (NM_001098398.2); short protein forms E537D, E546D.
Identifiers: ClinVar variation 2712290 (VCV002712290.3), dbSNP rs2525385829, ClinGen allele CA343253917.